The following is an entry in ClinVar:

NM_007194.4(CHEK2):c.1310A>C (p.Lys437Thr)

Gene: CHEK2 (checkpoint kinase 2; minus strand). Cytogenetic location: 22q12.1.
Variant type: single nucleotide variant.
Coding change: c.1310A>C on transcript NM_007194.4 (MANE Select); coding-DNA position 1310, A replaced by C.
Protein change: p.Lys437Thr; replaces lysine 437 with threonine.
Molecular consequence: missense variant.
Genome position (GRCh38, 1-based): chr22:28,695,192, T>G on the plus strand (A>C on the coding strand, the complement: CHEK2 is on the minus strand). VCF-style: chr22-28695192-T-G. GRCh37 (hg19) VCF-style: chr22-29091180-T-G.
Other names: c.1439A>C, p.Lys480Thr (NM_001005735.3); c.647A>C, p.Lys216Thr (NM_001257387.3); c.1109A>C, p.Lys370Thr (NM_001349956.3); c.1223A>C, p.Lys408Thr (NM_145862.3); short protein forms K370T, K408T, K216T, K480T, K437T.
Identifiers: ClinVar variation 3660857 (VCV003660857.2).
Genomic context (GRCh38, chr22:28,695,192, plus strand): 5'-TCTGAGACTTCTGCCCAGACTTCAGGAATGAAGTTGTATTTTCCACTGGTGATCTGATCC[T>G]TCAGTGACACTTGAGTCCTATGCTCAGAGAAAGGTGGATACCCACTAAGGCTTAATATTG-3'
Protein context (NP_009125.1, residues 427-447): FSEHRTQVSL[Lys437Thr]DQITSGKYNF

ClinVar aggregate classification (germline): Uncertain significance (1 of 4 stars; one submission).

Conditions:
Familial cancer of breast. Also called: Hereditary breast cancer; hereditary breast carcinoma; BREAST CANCER, FAMILIAL. Identifiers: Orphanet 227535, MedGen C0346153, MONDO:0016419, OMIM 114480. Disease mechanism: loss of function.

Submission:

Labcorp Genetics (formerly Invitae), Labcorp
Classification: Uncertain significance for Familial cancer of breast. Last evaluated: 2024-07-30. Review status: criteria provided, single submitter. Criteria: Invitae Variant Classification Sherloc (09022015). Collection method: clinical testing. Allele origin: germline.
Comment: This sequence change replaces lysine, which is basic and polar, with threonine, which is neutral and polar, at codon 437 of the CHEK2 protein (p.Lys437Thr). This variant is not present in population databases (gnomAD no frequency). This variant has not been reported in the literature in individuals affected with CHEK2-related conditions. An algorithm developed to predict the effect of missense changes on protein structure and function (PolyPhen-2) suggests that this variant is likely to be tolerated. In summary, the available evidence is currently insufficient to determine the role of this variant in disease. Therefore, it has been classified as a Variant of Uncertain Significance.